The following is an entry in ClinVar:

ClinVar aggregate classification (germline): Uncertain significance (1 of 4 stars; one submission).

Conditions:
Inborn genetic diseases. Identifiers: MedGen C0950123, MeSH D030342.

Allele frequency attached by ClinVar (database versions not stated): gnomAD exomes below 0.00001; ExAC 0.00001.
gnomAD v4.1: 7 of 1,613,318 alleles (0.00043%); highest among the groups gnomAD compares: Non-Finnish European, 0.00051%; no homozygotes.

Submission:

Ambry Genetics
Classification: Uncertain significance for Inborn genetic diseases. Last evaluated: 2021-04-29. Review status: criteria provided, single submitter. Criteria: Ambry Variant Classification Scheme 2023. Collection method: clinical testing. Allele origin: germline.
Comment: The c.817-4C>T intronic variant results from a C to T substitution 4 nucleotides upstream from coding exon 7 in the MFN2 gene. This nucleotide position is not well conserved in available vertebrate species. In silico splice site analysis predicts that this alteration will not have any significant effect on splicing. Since supporting evidence is limited at this time, the clinical significance of this alteration remains unclear.

NM_014874.4(MFN2):c.817-4C>T

Gene: MFN2 (mitofusin 2; plus strand). Cytogenetic location: 1p36.22.
Variant type: single nucleotide variant.
Coding change: c.817-4C>T on transcript NM_014874.4 (MANE Select); 4 bases into the intron before coding-DNA position 817, C replaced by T.
Molecular consequence: intron variant.
Genome position (GRCh38, 1-based): chr1:12,001,397, C>T. VCF-style: chr1-12001397-C-T. GRCh37 (hg19) VCF-style: chr1-12061454-C-T.
Other names: c.817-4C>T (NM_001127660.2).
Identifiers: ClinVar variation 1762293 (VCV001762293.2), dbSNP rs775052162, ClinGen allele CA598947.